The following is an entry in ClinVar:

ClinVar aggregate classification (germline): Likely benign (1 of 4 stars; one submission).

Allele frequency attached by ClinVar (database versions not stated): TOPMed below 0.00001; gnomAD exomes 0.00002; ExAC 0.00006.
gnomAD v4.1: 36 of 1,611,640 alleles (0.0022%); highest among the groups gnomAD compares: South Asian, 0.034%; no homozygotes.

Submission:

CeGaT Center for Human Genetics Tuebingen
Classification: Likely benign. Last evaluated: 2026-08-01. Review status: criteria provided, single submitter. Criteria: CeGaT Center For Human Genetics Tuebingen Variant Classification Criteria Version 2. Collection method: clinical testing. Allele origin: germline. Affected: yes. Observed: 2 variant alleles.
Comment: EML4: BP4

NM_019063.5(EML4):c.2463C>T (p.Ser821=)

Gene: EML4 (EMAP like 4; plus strand). Cytogenetic location: 2p21.
Variant type: single nucleotide variant.
Coding change: c.2463C>T on transcript NM_019063.5 (MANE Select); coding-DNA position 2463, C replaced by T.
Protein change: p.Ser821=; no amino-acid change (serine 821 retained).
Molecular consequence: synonymous variant.
Genome position (GRCh38, 1-based): chr2:42,329,007, C>T. VCF-style: chr2-42329007-C-T. GRCh37 (hg19) VCF-style: chr2-42556147-C-T.
Other names: c.2289C>T, p.Ser763= (NM_001145076.3); c.2496C>T, p.Ser832= (NM_001410776.1).
Identifiers: ClinVar variation 2650850 (VCV002650850.24), dbSNP rs752618961, ClinGen allele CA1629329.